The following is an entry in ClinVar:

ClinVar aggregate classification (germline): Conflicting classifications of pathogenicity. Review status: criteria provided, conflicting classifications (1 of 4 stars). 2 submissions from 2 submitters: Uncertain significance (1); Likely benign (1). Last evaluated 2025-05-01.

Conditions:
Inborn genetic diseases. Identifiers: MedGen C0950123, MeSH D030342.

gnomAD v4.1: 27 of 1,613,726 alleles (0.0017%); highest among the groups gnomAD compares: Non-Finnish European, 0.0021%; no homozygotes.

Submissions (2):

CeGaT Center for Human Genetics Tuebingen
Classification: Likely benign. Last evaluated: 2025-05-01. Review status: criteria provided, single submitter. Criteria: CeGaT Center For Human Genetics Tuebingen Variant Classification Criteria Version 2. Collection method: clinical testing. Allele origin: germline. Affected: yes. Observed: 1 variant allele.
Comment: ZFPM2: BP5

Ambry Genetics
Classification: Uncertain significance for Inborn genetic diseases. Last evaluated: 2025-01-24. Review status: criteria provided, single submitter. Criteria: Ambry Variant Classification Scheme 2023. Collection method: clinical testing. Allele origin: germline.

NM_012082.4(ZFPM2):c.2185A>C (p.Met729Leu)

Genes: ZFPM2 (zinc finger protein, FOG family member 2; plus strand), ZFPM2-AS1 (ZFPM2 antisense RNA 1; minus strand), LOC126860469 (BRD4-independent group 4 enhancer GRCh37_chr8:106814445-106815644; plus strand). Cytogenetic location: 8q23.1.
Variant type: single nucleotide variant.
Coding change: c.2185A>C on transcript NM_012082.4 (MANE Select); coding-DNA position 2185, A replaced by C.
Protein change: p.Met729Leu; replaces methionine 729 with leucine.
Molecular consequence: missense variant.
Genome position (GRCh38, 1-based): chr8:105,802,267, A>C. VCF-style: chr8-105802267-A-C. GRCh37 (hg19) VCF-style: chr8-106814495-A-C.
Other names: c.2026A>C, p.Met676Leu (NM_001362836.2); c.1789A>C, p.Met597Leu (NM_001362837.2); short protein forms M597L, M729L, M676L.
Identifiers: ClinVar variation 3819239 (VCV003819239.11).